The following is an entry in ClinVar:

NM_000355.4(TCN2):c.262G>A (p.Ala88Thr)

Gene: TCN2 (transcobalamin 2; plus strand). Cytogenetic location: 22q12.2.
Variant type: single nucleotide variant.
Coding change: c.262G>A on transcript NM_000355.4 (MANE Select); coding-DNA position 262, G replaced by A.
Protein change: p.Ala88Thr; replaces alanine 88 with threonine.
Molecular consequence: missense variant.
Genome position (GRCh38, 1-based): chr22:30,612,877, G>A. VCF-style: chr22-30612877-G-A. GRCh37 (hg19) VCF-style: chr22-31008864-G-A.
Other names: c.262G>A, p.Ala88Thr (NM_001184726.2); short protein forms A88T.
Identifiers: ClinVar variation 1965082 (VCV001965082.5), dbSNP rs1317871405, ClinGen allele CA411207878.

ClinVar aggregate classification (germline): Uncertain significance (1 of 4 stars; one submission).

Conditions:
Transcobalamin II deficiency (TCN2D). Also called: Transcolabamin II deficiency; TC II DEFICIENCY; TCN2 DEFICIENCY. Identifiers: Orphanet 859, MedGen C0342701, MONDO:0010149, OMIM 275350.

Allele frequency attached by ClinVar (database versions not stated): gnomAD exomes below 0.00001.
gnomAD v4.1: 3 of 1,613,552 alleles (0.00019%); highest among the groups gnomAD compares: Non-Finnish European, 0.00025%; no homozygotes.

Submission:

Labcorp Genetics (formerly Invitae), Labcorp
Classification: Uncertain significance for Transcobalamin II deficiency. Last evaluated: 2024-02-17. Review status: criteria provided, single submitter. Criteria: Invitae Variant Classification Sherloc (09022015). Collection method: clinical testing. Allele origin: germline.
Comment: This sequence change replaces alanine, which is neutral and non-polar, with threonine, which is neutral and polar, at codon 88 of the TCN2 protein (p.Ala88Thr). This variant is present in population databases (no rsID available, gnomAD 0.0009%). This variant has not been reported in the literature in individuals affected with TCN2-related conditions. ClinVar contains an entry for this variant (Variation ID: 1965082). Algorithms developed to predict the effect of missense changes on protein structure and function output the following: SIFT: "Not Available"; PolyPhen-2: "Benign"; Align-GVGD: "Not Available". The threonine amino acid residue is found in multiple mammalian species, which suggests that this missense change does not adversely affect protein function. In summary, the available evidence is currently insufficient to determine the role of this variant in disease. Therefore, it has been classified as a Variant of Uncertain Significance.